The following is an entry in ClinVar:

NM_022042.4(SLC26A1):c.1385G>A (p.Arg462Gln)

Genes: IDUA (alpha-L-iduronidase; plus strand), SLC26A1 (solute carrier family 26 member 1; minus strand). Cytogenetic location: 4p16.3.
Variant type: single nucleotide variant.
Coding change: c.1385G>A on transcript NM_022042.4 (MANE Select); coding-DNA position 1385, G replaced by A.
Protein change: p.Arg462Gln; replaces arginine 462 with glutamine.
Molecular consequence: missense variant. On other transcripts: intron variant (2).
Genome position (GRCh38, 1-based): chr4:989,554, C>T on the plus strand (G>A on the coding strand, the complement: SLC26A1 is on the minus strand). VCF-style: chr4-989554-C-T. GRCh37 (hg19) VCF-style: chr4-983342-C-T.
Other names: p.Arg462Gln; c.1385G>A, p.Arg462Gln (NM_213613.4); c.576+1574G>A (NM_134425.4); c.299+1605C>T (NM_000203.5); short protein forms R462Q.
Identifiers: ClinVar variation 1425196 (VCV001425196.10), dbSNP rs201608921, ClinGen allele CA2801389.

ClinVar aggregate classification (germline): Conflicting classifications of pathogenicity. Review status: criteria provided, conflicting classifications (1 of 4 stars). 3 submissions from 3 submitters: Uncertain significance (2); Likely benign (1). Last evaluated 2025-07-15.

Conditions:
Nephrolithiasis, calcium oxalate. Also called: Calcium oxalate urolithiasis. Identifiers: MedGen C1833683, MONDO:0957318, HP:0008672.

Allele frequency attached by ClinVar (database versions not stated): gnomAD exomes 0.00008 and 0.00023; gnomAD 0.00011; TOPMed 0.00016; ExAC 0.00037; 1000 Genomes Project 30x 0.00047; 1000 Genomes Project 0.00080.
gnomAD v4.1: 134 of 1,577,232 alleles (0.0085%); highest among the groups gnomAD compares: East Asian, 0.17%; no homozygotes.

Submissions (3):

Mayo Clinic Laboratories, Mayo Clinic
Classification: Likely benign. Last evaluated: 2025-07-15. Review status: criteria provided, single submitter. Criteria: ACMG Guidelines, 2015. Collection method: clinical testing. Allele origin: germline. Observed: 1 variant allele.
Comment: BS1, BP4

Labcorp Genetics (formerly Invitae), Labcorp
Classification: Uncertain significance. Last evaluated: 2025-07-08. Review status: criteria provided, single submitter. Criteria: Invitae Variant Classification Sherloc (09022015). Collection method: clinical testing. Allele origin: germline.
Comment: This sequence change replaces arginine, which is basic and polar, with glutamine, which is neutral and polar, at codon 462 of the SLC26A1 protein (p.Arg462Gln). This variant is present in population databases (rs201608921, gnomAD 0.2%), and has an allele count higher than expected for a pathogenic variant. This variant has not been reported in the literature in individuals affected with SLC26A1-related conditions. ClinVar contains an entry for this variant (Variation ID: 1425196). Invitae Evidence Modeling of protein sequence and biophysical properties (such as structural, functional, and spatial information, amino acid conservation, physicochemical variation, residue mobility, and thermodynamic stability) indicates that this missense variant is not expected to disrupt SLC26A1 protein function with a negative predictive value of 80%. In summary, the available evidence is currently insufficient to determine the role of this variant in disease. Therefore, it has been classified as a Variant of Uncertain Significance.

Fulgent Genetics
Classification: Uncertain significance for Nephrolithiasis susceptibility caused by SLC26A1. Last evaluated: 2022-04-26. Review status: criteria provided, single submitter. Criteria: ACMG Guidelines, 2015. Collection method: clinical testing. Allele origin: unknown.